The following is an entry in ClinVar:

ClinVar aggregate classification (germline): Conflicting classifications of pathogenicity. Review status: criteria provided, conflicting classifications (1 of 4 stars). 4 submissions from 4 submitters: Uncertain significance (2); Likely benign (1). 1 of the submissions does not count toward it. Last evaluated 2024-12-12.

Conditions:
Ataxia-telangiectasia syndrome (AT). Also called: ATAXIA-TELANGIECTASIA, FRESNO VARIANT; Ataxia-telangiectasia, complementation group D; AT, COMPLEMENTATION GROUP C; Ataxia-telangiectasia; Ataxia-telangiectasia, complementation group E; Ataxia telangiectasia (A-T). Identifiers: Orphanet 100, MedGen C0004135, MONDO:0008840, OMIM 208900.
Hereditary cancer-predisposing syndrome. Also called: Tumor predisposition; Neoplastic Syndromes, Hereditary; Hereditary Cancer Syndrome; Hereditary neoplastic syndrome. Identifiers: Orphanet 140162, MedGen C0027672, MeSH D009386, MONDO:0015356.
Familial cancer of breast. Also called: hereditary breast carcinoma; BREAST CANCER, FAMILIAL; Hereditary breast cancer. Identifiers: Orphanet 227535, MedGen C0346153, MONDO:0016419, OMIM 114480. Disease mechanism: loss of function.

gnomAD v4.1: 1 of 1,613,480 alleles (0.000062%); highest among the groups gnomAD compares: South Asian, 0.0011%; no homozygotes.

Submissions (4):

Labcorp Genetics (formerly Invitae), Labcorp
Classification: Uncertain significance for Ataxia-telangiectasia syndrome. Last evaluated: 2024-12-12. Review status: criteria provided, single submitter. Criteria: Invitae Variant Classification Sherloc (09022015). Collection method: clinical testing. Allele origin: germline.
Comment: This sequence change replaces asparagine, which is neutral and polar, with serine, which is neutral and polar, at codon 272 of the ATM protein (p.Asn272Ser). This variant is not present in population databases (gnomAD no frequency). This missense change has been observed in individual(s) with pancreatic cancer (PMID: 36896836). ClinVar contains an entry for this variant (Variation ID: 1062663). Invitae Evidence Modeling of protein sequence and biophysical properties (such as structural, functional, and spatial information, amino acid conservation, physicochemical variation, residue mobility, and thermodynamic stability) indicates that this missense variant is not expected to disrupt ATM protein function with a negative predictive value of 95%. In summary, the available evidence is currently insufficient to determine the role of this variant in disease. Therefore, it has been classified as a Variant of Uncertain Significance.

Ambry Genetics
Classification: Likely benign for Hereditary cancer-predisposing syndrome. Last evaluated: 2024-09-11. Review status: criteria provided, single submitter. Criteria: Ambry Variant Classification Scheme 2023. Collection method: clinical testing. Allele origin: germline.

Baylor Genetics
Classification: Uncertain significance for Familial cancer of breast. Last evaluated: 2023-03-21. Review status: criteria provided, single submitter. Criteria: ACMG Guidelines, 2015. Collection method: clinical testing. Allele origin: unknown.

Natera, Inc.
Classification: Uncertain significance for Ataxia-telangiectasia. Last evaluated: 2021-04-27. Review status: no assertion criteria provided. Collection method: clinical testing. Allele origin: germline. Not counted in ClinVar's aggregate classification.

Literature cited by the submitters: PubMed 36896836 (cited by Labcorp Genetics (formerly Invitae), Labcorp); PubMed 30287823 (cited by Ambry Genetics).

NM_000051.4(ATM):c.815A>G (p.Asn272Ser)

Gene: ATM (ATM serine/threonine kinase; plus strand). Cytogenetic location: 11q22.3.
Variant type: single nucleotide variant.
Coding change: c.815A>G on transcript NM_000051.4 (MANE Select); coding-DNA position 815, A replaced by G.
Protein change: p.Asn272Ser; replaces asparagine 272 with serine.
Molecular consequence: missense variant.
Genome position (GRCh38, 1-based): chr11:108,244,940, A>G. VCF-style: chr11-108244940-A-G. GRCh37 (hg19) VCF-style: chr11-108115667-A-G.
Other names: c.815A>G, p.Asn272Ser (NM_001351834.2); c.815A>G (NM_000051.3); short protein forms N272S.
Identifiers: ClinVar variation 1062663 (VCV001062663.15), dbSNP rs1555067189, ClinGen allele CA382529403.